The following is an entry in ClinVar:

NM_001034853.2(RPGR):c.3396C>A (p.Asn1132Lys)

Gene: RPGR (retinitis pigmentosa GTPase regulator; minus strand). Cytogenetic location: Xp11.4.
Variant type: single nucleotide variant.
Coding change: c.3396C>A on transcript NM_001034853.2 (MANE Select); coding-DNA position 3396, C replaced by A.
Protein change: p.Asn1132Lys; replaces asparagine 1132 with lysine.
Molecular consequence: missense variant. On other transcripts: intron variant (8).
Genome position (GRCh38, 1-based): chrX:38,285,603, G>T on the plus strand (C>A on the coding strand, the complement: RPGR is on the minus strand). VCF-style: chrX-38285603-G-T. GRCh37 (hg19) VCF-style: chrX-38144856-G-T.
Other names: c.1569+5356C>A (NM_001367249.1, NM_001367250.1); c.1902+1491C>A (NM_001367245.1); c.1386+5356C>A (NM_001367251.1); c.1719+1491C>A (NM_001367246.1); c.1572+5356C>A (NM_001367247.1); c.1905+1491C>A (NM_000328.3); c.1602+5356C>A (NM_001367248.1); c.3396C>A (NM_001034853.1); short protein forms N1132K.
Identifiers: ClinVar variation 2186526 (VCV002186526.8), dbSNP rs12687163, ClinGen allele CA10385148.

ClinVar aggregate classification (germline): Conflicting classifications of pathogenicity. Review status: criteria provided, conflicting classifications (1 of 4 stars). 3 submissions from 3 submitters: Uncertain significance (1); Likely benign (2). Last evaluated 2026-06-18.

Conditions:
Primary ciliary dyskinesia. Also called: Ciliary dyskinesia. Identifiers: Orphanet 244, MedGen C0008780, MONDO:0016575, HP:0012265.
RPGR-related disorder. Also called: RPGR-related condition.

gnomAD v4.1: 25 of 1,209,021 alleles (0.0021%); highest among the groups gnomAD compares: Non-Finnish European, 0.0011%; no homozygotes.

Submissions (3):

PreventionGenetics, part of Exact Sciences
Classification: Likely benign for RPGR-related condition. Last evaluated: 2026-06-18. Review status: criteria provided, single submitter. Criteria: ACMG Guidelines, 2015. Collection method: clinical testing. Allele origin: germline.
Comment: This variant is classified as likely benign based on ACMG/AMP sequence variant interpretation guidelines (Richards et al. 2015 PMID: 25741868, with internal and published modifications).

Labcorp Genetics (formerly Invitae), Labcorp
Classification: Uncertain significance for Primary ciliary dyskinesia. Last evaluated: 2024-08-30. Review status: criteria provided, single submitter. Criteria: Invitae Variant Classification Sherloc (09022015). Collection method: clinical testing. Allele origin: germline.
Comment: This sequence change replaces asparagine, which is neutral and polar, with lysine, which is basic and polar, at codon 1132 of the RPGR (ORF15) protein (p.Asn1132Lys). This variant is present in population databases (rs12687163, gnomAD 0.05%). This variant has not been reported in the literature in individuals affected with RPGR (ORF15)-related conditions. ClinVar contains an entry for this variant (Variation ID: 2186526). Invitae Evidence Modeling of protein sequence and biophysical properties (such as structural, functional, and spatial information, amino acid conservation, physicochemical variation, residue mobility, and thermodynamic stability) indicates that this missense variant is not expected to disrupt RPGR (ORF15) protein function with a negative predictive value of 95%. In summary, the available evidence is currently insufficient to determine the role of this variant in disease. Therefore, it has been classified as a Variant of Uncertain Significance.

Blueprint Genetics
Classification: Likely benign. Last evaluated: 2022-02-09. Review status: criteria provided, single submitter. Criteria: ACMG Guidelines, 2015. Collection method: clinical testing. Allele origin: germline.